The following is an entry in ClinVar:

NM_005422.4(TECTA):c.2941+1G>A

Genes: TBCEL-TECTA (TBCEL-TECTA readthrough; plus strand), TECTA (tectorin alpha; plus strand), LOC126861365 (P300/CBP strongly-dependent group 1 enhancer GRCh37_chr11:121000154-121001353; plus strand). Cytogenetic location: 11q23.3.
Variant type: single nucleotide variant.
Coding change: c.2941+1G>A on transcript NM_005422.4 (MANE Select); the canonical splice donor site of the intron after coding-DNA position 2941, G replaced by A.
Molecular consequence: splice donor variant.
Genome position (GRCh38, 1-based): chr11:121,130,212, G>A. VCF-style: chr11-121130212-G-A. GRCh37 (hg19) VCF-style: chr11-121000921-G-A.
Other names: IVS9DS, G-A, +1; c.3898+1G>A (NM_001378761.1).
Identifiers: ClinVar variation 7015 (VCV000007015.5), dbSNP rs966621865, ClinGen allele CA229816448.
Genomic context (GRCh38, chr11:121,130,212, plus strand): 5'-CAAGCGCCTGCAAGAATGCGGACGTGGAGGTGGGGCCCTGGCGGACCTATGACTTCTGCC[G>A]TAAGTTGGGGTTGGATTCTGGGAGAGGCTTTCTAGCTGGGAAATAGGTGCCATGCTGGGC-3'

ClinVar aggregate classification (germline): Pathogenic. Review status: criteria provided, multiple submitters, no conflicts (2 of 4 stars). 5 submissions from 5 submitters: Pathogenic (4). 1 of the submissions does not count toward it. Last evaluated 2026-08-01.

Conditions:
Autosomal dominant nonsyndromic hearing loss 12. Also called: DEAFNESS, AUTOSOMAL DOMINANT 8. Identifiers: Orphanet 90635, MedGen C1832187, MONDO:0011102, OMIM 601543.
Autosomal recessive nonsyndromic hearing loss 21. Identifiers: Orphanet 90636, MedGen C1863655, MONDO:0011351, OMIM 603629.
Deafness, neurosensory autosomal recessive 21. Identifiers: MedGen C4016799.

gnomAD v4.1: 9 of 1,599,834 alleles (0.00056%); highest among the groups gnomAD compares: South Asian, 0.0011%; no homozygotes.

Submissions (5):

CeGaT Center for Human Genetics Tuebingen
Classification: Pathogenic. Last evaluated: 2026-08-01. Review status: criteria provided, single submitter. Criteria: CeGaT Center For Human Genetics Tuebingen Variant Classification Criteria Version 2. Collection method: clinical testing. Allele origin: germline. Affected: yes. Observed: 1 variant allele.
Comment: TECTA: PVS1, PM2, PM3

GeneDx
Classification: Pathogenic. Last evaluated: 2023-08-23. Review status: criteria provided, single submitter. Criteria: GeneDx Variant Classification Process June 2021. Collection method: clinical testing. Allele origin: germline. Affected: yes.
Comment: Canonical splice site variant predicted to result in a null allele in a gene for which loss of function is a known mechanism of disease; Not observed at significant frequency in large population cohorts (gnomAD); This variant is associated with the following publications: (PMID: 28012541, 17431902, 21520338, 9949200, 27368438)

Department of Pathology and Laboratory Medicine, Sinai Health System
Classification: Pathogenic for Autosomal recessive nonsyndromic hearing loss 21; Autosomal dominant nonsyndromic hearing loss 12. Last evaluated: 2023-03-09. Review status: criteria provided, single submitter. Criteria: ACMG Guidelines, 2015. Collection method: research. Allele origin: germline.

Juno Genomics, Hangzhou Juno Genomics, Inc
Classification: Pathogenic for Autosomal recessive nonsyndromic hearing loss 21. Review status: criteria provided, single submitter. Criteria: ACMG Guidelines, 2015. Collection method: clinical testing. Allele origin: germline.
Comment: Absent from controls (or at extremely low frequency if recessive) in Genome Aggregation Database.;Null variant in a gene where loss of function (LOF) is a known mechanism of disease.;For recessive disorders, detected in trans with a pathogenic variant.;Co-segregation with disease in multiple affected family members.

OMIM
Classification: Pathogenic for DEAFNESS, NEUROSENSORY AUTOSOMAL RECESSIVE 21. Last evaluated: 1999-03-01. Review status: no assertion criteria provided. Collection method: literature only. Allele origin: germline. Not counted in ClinVar's aggregate classification.

Literature cited by the submitters: PubMed 9949200 (cited by OMIM).